The following is an entry in ClinVar:

ClinVar aggregate classification (germline): Pathogenic/Likely pathogenic. Review status: criteria provided, multiple submitters, no conflicts (2 of 4 stars). 5 submissions from 5 submitters: Pathogenic (3); Likely pathogenic (2). Last evaluated 2025-02-05.

Conditions:
Hypercholesterolemia, familial, 4 (FHCL4). Also called: HYPERCHOLESTEROLEMIA, AUTOSOMAL RECESSIVE, 1; HYPERCHOLESTEROLEMIA, AUTOSOMAL RECESSIVE, 2. Identifiers: Orphanet 391665, MedGen C1863512, MONDO:0011374, OMIM 603813.
Familial hypercholesterolemia. Also called: Familial hypercholesterolaemia; Familial hypercholesterolemias. Identifiers: MedGen C0020445, MONDO:0005439.

Submissions (5):

Natera, Inc.
Classification: Pathogenic for Familial hypercholesterolemia. Last evaluated: 2025-02-05. Review status: criteria provided, single submitter. Criteria: Natera Variant Classification Schema (03/2026). Collection method: clinical testing. Allele origin: germline.
Comment: The c.71dupG variant in LDLRAP1 is a frameshift variant predicted to shift the reading frame beginning at codon 25 and leads to a stop codon 9 codons downstream. This variant is expected to result in nonsense mediated decay, truncation, or a dysfunctional protein product. This variant is rare in the general population with a frequency below the threshold expected for the associated phenotype(s). This variant has been observed in one or more individuals affected with the associated recessive disease, as either homozygous or compound heterozygous with a second variant (PMID: 32936664). Given the available evidence, this variant is classified as Pathogenic.

Labcorp Genetics (formerly Invitae), Labcorp
Classification: Pathogenic for Hypercholesterolemia, familial, 4. Last evaluated: 2023-12-28. Review status: criteria provided, single submitter. Criteria: Invitae Variant Classification Sherloc (09022015). Collection method: clinical testing. Allele origin: germline.
Comment: This sequence change creates a premature translational stop signal (p.Gly25Argfs*9) in the LDLRAP1 gene. It is expected to result in an absent or disrupted protein product. Loss-of-function variants in LDLRAP1 are known to be pathogenic (PMID: 11326085, 12464675). This variant is not present in population databases (gnomAD no frequency). This variant has not been reported in the literature in individuals affected with LDLRAP1-related conditions. ClinVar contains an entry for this variant (Variation ID: 947831). For these reasons, this variant has been classified as Pathogenic.

Genome-Nilou Lab
Classification: Likely pathogenic for Hypercholesterolemia, familial, 4. Last evaluated: 2023-04-11. Review status: criteria provided, single submitter. Criteria: ACMG Guidelines, 2015. Collection method: clinical testing. Allele origin: germline. Affected: no.

Revvity Omics, Revvity
Classification: Pathogenic for Hypercholesterolemia, familial, 4. Last evaluated: 2023-04-07. Review status: criteria provided, single submitter. Criteria: ACMG Guidelines, 2015. Collection method: clinical testing. Allele origin: germline.

Fulgent Genetics
Classification: Likely pathogenic for Hypercholesterolemia, familial, 4. Last evaluated: 2021-08-26. Review status: criteria provided, single submitter. Criteria: ACMG Guidelines, 2015. Collection method: clinical testing. Allele origin: unknown.

Literature cited by the submitters: PubMed 32936664 (cited by Natera, Inc.); PubMed 11326085 (cited by Labcorp Genetics (formerly Invitae), Labcorp); PubMed 12464675 (cited by Labcorp Genetics (formerly Invitae), Labcorp).

NM_015627.3(LDLRAP1):c.71dup (p.Gly25fs)

Genes: LDLRAP1 (low density lipoprotein receptor adaptor protein 1; plus strand), LOC129929773 (ATAC-STARR-seq lymphoblastoid silent region 456; plus strand). Cytogenetic location: 1p36.11.
Variant type: Duplication.
Coding change: c.71dup on transcript NM_015627.3 (MANE Select); coding-DNA position 71, one base duplicated (G; older notation c.71dupG).
Protein change: p.Gly25fs; shifts the reading frame from glycine 25.
Molecular consequence: frameshift variant.
Genome position (GRCh38, 1-based): chr1:25,543,769, G duplicated; the last of 7 consecutive G bases (chr1:25,543,763-25,543,769); duplicating any one gives the same sequence. VCF-style (leftmost placement, unchanged base first): chr1-25543762-T-TG. GRCh37 (hg19) VCF-style: chr1-25870253-T-TG.
Other names: c.71dupG (NM_015627.2); short protein forms G25fs.
Identifiers: ClinVar variation 947831 (VCV000947831.14), dbSNP rs1201229554, ClinGen allele CA521715354.
Genomic context (GRCh38, chr1:25,543,762, plus strand): 5'-GACGCGCTCAAGTCGGCGGGGCGGGCGCTGATCCGGAGCCCCAGCTTGGCCAAGCAGAGC[T>TG]GGGGGGGCGGTGGCCGGCACCGCAGTGAGTGTGCGCGCGTCAGCCGGGCCGGGCCGGGAT-3'